The following is an entry in ClinVar:

NM_018429.3(BDP1):c.6144T>A (p.Thr2048=)

Gene: BDP1 (BDP1 general transcription factor IIIB subunit; plus strand). Cytogenetic location: 5q13.2.
Variant type: single nucleotide variant.
Coding change: c.6144T>A on transcript NM_018429.3 (MANE Select); coding-DNA position 6144, T replaced by A.
Protein change: p.Thr2048=; no amino-acid change (threonine 2048 retained).
Molecular consequence: synonymous variant.
Genome position (GRCh38, 1-based): chr5:71,541,575, T>A. VCF-style: chr5-71541575-T-A. GRCh37 (hg19) VCF-style: chr5-70837402-T-A.
Identifiers: ClinVar variation 1317870 (VCV001317870.6), dbSNP rs191238264, ClinGen allele CA3297169.
Genomic context (GRCh38, chr5:71,541,575, plus strand): 5'-AGATAATGTAAATCACAAAATTGTTCATGAATGTCAGGAACTTTCTTCACCTGTCATTAC[T>A]ACATCTCCTGCATCATTTGAAGAAAACAAGATTGTATTGGAGGAACAAAGTTCCAGAGAA-3'
Protein context (NP_060899.2, residues 2038-2058): ECQELSSPVI[Thr2048=]TSPASFEENK

ClinVar aggregate classification (germline): Likely benign. Review status: criteria provided, multiple submitters, no conflicts (2 of 4 stars). 4 submissions from 4 submitters: Likely benign (3). 1 of the submissions does not count toward it. Last evaluated 2024-11-22.

Conditions:
BDP1-related disorder. Also called: BDP1-related condition.

Allele frequency attached by ClinVar (database versions not stated): ExAC 0.00070; gnomAD 0.00075 and 0.00078; 1000 Genomes Project 0.00080; gnomAD exomes 0.00082 and 0.00094; ESP Exome Variant Server 0.00084; TOPMed 0.00093; 1000 Genomes Project 30x 0.00094.
gnomAD v4.1: 1,495 of 1,612,646 alleles (0.093%); highest among the groups gnomAD compares: Admixed American, 0.24%; 4 homozygotes.

Submissions (4):

Blueprint Genetics
Classification: Likely benign. Last evaluated: 2024-11-22. Review status: criteria provided, single submitter. Criteria: ACMG Guidelines, 2015. Collection method: clinical testing. Allele origin: germline.

GeneDx
Classification: Likely benign. Last evaluated: 2020-09-25. Review status: criteria provided, single submitter. Criteria: GeneDx Variant Classification Process June 2021. Collection method: clinical testing. Allele origin: germline. Affected: yes.

Breakthrough Genomics
Classification: Likely benign. Review status: criteria provided, single submitter. Criteria: ACMG Guidelines, 2015. Collection method: not provided. Allele origin: germline. Inheritance: Autosomal recessive inheritance. Affected: yes.

PreventionGenetics, part of Exact Sciences
Classification: Likely benign for BDP1-related condition. Last evaluated: 2019-11-26. Review status: no assertion criteria provided. Collection method: clinical testing. Allele origin: germline. Not counted in ClinVar's aggregate classification.
Comment: This variant is classified as likely benign based on ACMG/AMP sequence variant interpretation guidelines (Richards et al. 2015 PMID: 25741868, with internal and published modifications).